The following is an entry in ClinVar:

NM_032271.3(TRAF7):c.718C>A (p.Pro240Thr)

Gene: TRAF7 (TNF receptor associated factor 7; plus strand). Cytogenetic location: 16p13.3.
Variant type: single nucleotide variant.
Coding change: c.718C>A on transcript NM_032271.3 (MANE Select); coding-DNA position 718, C replaced by A.
Protein change: p.Pro240Thr; replaces proline 240 with threonine.
Molecular consequence: missense variant.
Genome position (GRCh38, 1-based): chr16:2,172,523, C>A. VCF-style: chr16-2172523-C-A. GRCh37 (hg19) VCF-style: chr16-2222524-C-A.
Other names: short protein forms P240T.
Identifiers: ClinVar variation 3365224 (VCV003365224.1).
Genomic context (GRCh38, chr16:2,172,523, plus strand): 5'-AGGGACCACGAGGGCAGCTGTGACTACAGGCCTGTGCGGTGTCCCAACAACCCCAGCTGC[C>A]CCCCGCTGCTCAGGATGAACCTGGAGGCCCACCTCAAGGAGTGCGAGCACATCAAATGCC-3'
Protein context (NP_115647.2, residues 230-250): PVRCPNNPSC[Pro240Thr]PLLRMNLEAH

ClinVar aggregate classification (germline): Uncertain significance (1 of 4 stars; one submission).

gnomAD v4.1: 1 of 1,595,240 alleles (0.000063%); highest among the groups gnomAD compares: Non-Finnish European, 0.000085%; no homozygotes.

Submission:

GeneDx
Classification: Uncertain significance. Last evaluated: 2023-12-22. Review status: criteria provided, single submitter. Criteria: GeneDx Variant Classification Process June 2021. Collection method: clinical testing. Allele origin: germline. Affected: yes.
Comment: Not observed at significant frequency in large population cohorts (gnomAD); In silico analysis supports that this missense variant has a deleterious effect on protein structure/function; Has not been previously published as pathogenic or benign to our knowledge